The following is an entry in ClinVar:

ClinVar aggregate classification (germline): Conflicting classifications of pathogenicity. Review status: criteria provided, conflicting classifications (1 of 4 stars). 10 submissions from 10 submitters: Uncertain significance (1); Likely benign (6). 3 of the submissions do not count toward it. Last evaluated 2026-01-22.

Conditions:
Fraser syndrome 3. Identifiers: MedGen C4540040, MONDO:0054739, OMIM 617667.
Intellectual disability. Also called: Intellectual developmental disorder; Intellectual functioning disability; intellectual disabilities. Identifiers: MedGen C3714756, MeSH D008607, MONDO:0001071, HP:0001249.

Allele frequency attached by ClinVar (database versions not stated): ESP Exome Variant Server 0.00105; TOPMed 0.00139; 1000 Genomes Project 0.00140; gnomAD exomes 0.00152 and 0.00164; gnomAD 0.00154 and 0.00155; 1000 Genomes Project 30x 0.00156; ExAC 0.00179.
gnomAD v4.1: 2,475 of 1,613,954 alleles (0.15%); highest among the groups gnomAD compares: Middle Eastern, 2%; 14 homozygotes.

Submissions (12):

Labcorp Genetics (formerly Invitae), Labcorp
Classification: Likely benign. Last evaluated: 2026-01-22. Review status: criteria provided, single submitter. Criteria: Invitae Variant Classification Sherloc (09022015). Collection method: clinical testing. Allele origin: germline.

CeGaT Center for Human Genetics Tuebingen
Classification: Likely benign. Last evaluated: 2025-12-01. Review status: criteria provided, single submitter. Criteria: CeGaT Center For Human Genetics Tuebingen Variant Classification Criteria Version 2. Collection method: clinical testing. Allele origin: germline. Affected: yes. Observed: 9 variant alleles.
Comment: GRIP1: BP4, BS2

Blueprint Genetics
Classification: Likely benign. Last evaluated: 2024-11-26. Review status: criteria provided, single submitter. Criteria: ACMG Guidelines, 2015. Collection method: clinical testing. Allele origin: germline.

Women's Health and Genetics/Laboratory Corporation of America, LabCorp
Classification: Likely benign. Last evaluated: 2022-06-28. Review status: criteria provided, single submitter. Criteria: LabCorp Variant Classification Summary - May 2015. Collection method: clinical testing. Allele origin: germline.
Comment: Variant summary: GRIP1 c.2225T>G (p.Met742Arg) results in a non-conservative amino acid change located in the PDZ domain (IPR001478) of the encoded protein sequence. Four of five in-silico tools predict a benign effect of the variant on protein function. The variant allele was found at a frequency of 0.0017 in 280778 control chromosomes (gnomAD), with 2 homozygotes. The variant occurs predominantly at a frequency of 0.0027 within the Non-Finnish European subpopulation in the gnomAD database, including 1 homozygote. The observed variant frequency within Non-Finnish European control individuals in the gnomAD database is approximately 2 fold of the estimated maximal expected allele frequency for a pathogenic variant in GRIP1 causing Cryptophthalmos Syndrome (0.0013), strongly suggesting that the variant is a benign polymorphism found primarily in populations of Non-Finnish European origin. To our knowledge, no occurrence of c.2225T>G in individuals affected with Cryptophthalmos Syndrome and no experimental evidence demonstrating its impact on protein function have been reported. Six ClinVar submitters have assessed the variant since 2014: one classified the variant as VUS, and five as likely benign. Based on the evidence outlined above, the variant was classified as likely benign.

Illumina Laboratory Services, Illumina
Classification: Likely benign for Fraser syndrome 3. Last evaluated: 2017-04-27. Review status: criteria provided, single submitter. Criteria: ICSL Variant Classification Criteria 13 December 2019. Collection method: clinical testing. Allele origin: germline.
Comment: This variant was observed as part of a predisposition screen in an ostensibly healthy population. A literature search was performed for the gene, cDNA change, and amino acid change (where applicable). No publications were found based on this search. Allele frequency data from public databases allowed determination this variant is unlikely to cause disease. Therefore, this variant is classified as likely benign.

Eurofins Ntd Llc (ga)
Classification: Uncertain significance. Last evaluated: 2016-10-26. Review status: criteria provided, single submitter. Criteria: EGL Classification Definitions 2015. Collection method: clinical testing. Allele origin: germline. Observed: 1 variant allele, 1 heterozygote.

Laboratory for Molecular Medicine, Mass General Brigham Personalized Medicine
Classification: Likely benign. Last evaluated: 2015-07-15. Review status: criteria provided, single submitter. Criteria: LMM Criteria. Collection method: clinical testing. Allele origin: germline. Observed: 3 variant alleles.
Comment: p.Met742Arg in exon 18 of GRIP1: This variant is not expected to have clinical s ignificance because it has been identified in 0.3% (172/66736) of European chrom osomes (including one homozygote individual) by the Exome Aggregation Consortium (ExAC; dbSNP rs144494437). It has been reported in 1 individual with autism and segregated with disease in 1 affected relative (Mejias 2011), however the proband was homozygous for the variant and the relati ve was heterozygous for the variant.

Centre de Biologie Pathologie Génétique, Centre Hospitalier Universitaire de Lille
Classification: Likely benign for Intellectual disability. Last evaluated: 2019-01-01. Review status: no assertion criteria provided. Collection method: clinical testing. Allele origin: inherited. Affected: yes. Not counted in ClinVar's aggregate classification.

Clinical Genetics DNA and cytogenetics Diagnostics Lab, Erasmus MC, Erasmus Medical Center
Classification: Likely benign. Review status: no assertion criteria provided. Collection method: clinical testing. Allele origin: germline. Affected: yes. Study: VKGL Data-share Consensus. Not counted in ClinVar's aggregate classification.

Dr. Peter K. Rogan Lab, Western University
No classification provided (evidence only). Condition: Melanoma. Review status: no classification provided. Collection method: in vitro. Allele origin: not applicable. Functional consequence: retained intron. Not counted in ClinVar's aggregate classification.

Dr. Peter K. Rogan Lab, Western University
No classification provided (evidence only). Condition: Colorectal cancer. Review status: no classification provided. Collection method: in vitro. Allele origin: not applicable. Functional consequence: retained intron. Not counted in ClinVar's aggregate classification.

Genome Diagnostics Laboratory, University Medical Center Utrecht
Classification: Likely benign. Review status: no assertion criteria provided. Collection method: clinical testing. Allele origin: germline. Affected: yes. Study: VKGL Data-share Consensus. Not counted in ClinVar's aggregate classification.

Literature cited by the submitters: PubMed 21383172 (cited by Laboratory for Molecular Medicine, Mass General Brigham Personalized Medicine).

NM_001366722.1(GRIP1):c.2381T>G (p.Met794Arg)

Gene: GRIP1 (glutamate receptor interacting protein 1; minus strand). Cytogenetic location: 12q14.3.
Variant type: single nucleotide variant.
Coding change: c.2381T>G on transcript NM_001366722.1 (MANE Select); coding-DNA position 2381, T replaced by G.
Protein change: p.Met794Arg; replaces methionine 794 with arginine.
Molecular consequence: missense variant.
Genome position (GRCh38, 1-based): chr12:66,392,391, A>C on the plus strand (T>G on the coding strand, the complement: GRIP1 is on the minus strand). VCF-style: chr12-66392391-A-C. GRCh37 (hg19) VCF-style: chr12-66786171-A-C.
Other names: c.2225T>G, p.Met742Arg (NM_001178074.2, NM_021150.4); c.2300T>G, p.Met767Arg (NM_001366723.1); c.2303T>G, p.Met768Arg (NM_001366724.1); short protein forms M742R, M767R, M768R, M794R.
Identifiers: ClinVar variation 227419 (VCV000227419.67), dbSNP rs144494437, ClinGen allele CA6674142.